The following is an entry in ClinVar:

NM_001330260.2(SCN8A):c.5498A>G (p.Asp1833Gly)

Gene: SCN8A (sodium voltage-gated channel alpha subunit 8; plus strand). Cytogenetic location: 12q13.13.
Variant type: single nucleotide variant.
Coding change: c.5498A>G on transcript NM_001330260.2 (MANE Select); coding-DNA position 5498, A replaced by G.
Protein change: p.Asp1833Gly; replaces aspartic acid 1833 with glycine.
Molecular consequence: missense variant.
Genome position (GRCh38, 1-based): chr12:51,806,984, A>G. VCF-style: chr12-51806984-A-G. GRCh37 (hg19) VCF-style: chr12-52200768-A-G.
Other names: c.5375A>G, p.Asp1792Gly (NM_001177984.3, NM_001369788.1); c.5498A>G, p.Asp1833Gly (NM_014191.4); short protein forms D1792G, D1833G.
Identifiers: ClinVar variation 1715335 (VCV001715335.5), dbSNP rs2540335347, ClinGen allele CA384886922.
Genomic context (GRCh38, chr12:51,806,984, plus strand): 5'-ATGCCTTGGAGCATCCTCTCCGAGTGCCCAAGCCCAATACCATTGAGCTCATCGCTATGG[A>G]TCTGCCAATGGTGAGCGGGGATCGCATCCACTGCTTGGACATCCTTTTTGCCTTCACCAA-3'
Protein context (NP_001317189.1, residues 1823-1843): KPNTIELIAM[Asp1833Gly]LPMVSGDRIH

ClinVar aggregate classification (germline): Uncertain significance (1 of 4 stars; one submission).

Conditions:
Early-infantile DEE. Also called: Early infantile epileptic encephalopathy with suppression bursts; Early infantile epileptic encephalopathy; Ohtahara syndrome. Identifiers: Orphanet 1934, MedGen C0393706, MONDO:0800491.

Submission:

Labcorp Genetics (formerly Invitae), Labcorp
Classification: Uncertain significance for Early-infantile DEE. Last evaluated: 2022-08-06. Review status: criteria provided, single submitter. Criteria: Invitae Variant Classification Sherloc (09022015). Collection method: clinical testing. Allele origin: germline.
Comment: In summary, the available evidence is currently insufficient to determine the role of this variant in disease. Therefore, it has been classified as a Variant of Uncertain Significance. Algorithms developed to predict the effect of missense changes on protein structure and function are either unavailable or do not agree on the potential impact of this missense change (SIFT: "Deleterious"; PolyPhen-2: "Probably Damaging"; Align-GVGD: "Class C0"). This variant has not been reported in the literature in individuals affected with SCN8A-related conditions. This variant is not present in population databases (gnomAD no frequency). This sequence change replaces aspartic acid, which is acidic and polar, with glycine, which is neutral and non-polar, at codon 1833 of the SCN8A protein (p.Asp1833Gly).